The following is an entry in ClinVar:

NM_006196.4(PCBP1):c.544C>T (p.Pro182Ser)

Gene: PCBP1 (poly(rC) binding protein 1; plus strand). Cytogenetic location: 2p13.3.
Variant type: single nucleotide variant.
Coding change: c.544C>T on transcript NM_006196.4 (MANE Select); coding-DNA position 544, C replaced by T.
Protein change: p.Pro182Ser; replaces proline 182 with serine.
Molecular consequence: missense variant.
Genome position (GRCh38, 1-based): chr2:70,088,287, C>T. VCF-style: chr2-70088287-C-T. GRCh37 (hg19) VCF-style: chr2-70315419-C-T.
Other names: short protein forms P182S.
Identifiers: ClinVar variation 4852574 (VCV004852574.1).

ClinVar aggregate classification (germline): Likely pathogenic (1 of 4 stars; one submission).

Conditions:
Neurodevelopmental disorder. Identifiers: MedGen C1535926, MeSH D065886, MONDO:0700092.

Submission:

Laboratory of Molecular Genetics (Pr. Bezieau's lab), CHU de Nantes
Classification: Likely pathogenic for Neurodevelopmental disorder. Last evaluated: 2026-05-27. Review status: criteria provided, single submitter. Criteria: ACMG Guidelines, 2015. Collection method: clinical testing. Allele origin: de novo. Inheritance: Autosomal dominant inheritance. Affected: yes. Observed: 1 variant allele, 1 heterozygote.
Comment: ACMG criteria: PS2, PM2, PP2. Protein change: p.(Pro182Ser).